The following is an entry in ClinVar:

NM_015506.3(MMACHC):c.600G>A (p.Trp200Ter)

Genes: MMACHC (metabolism of cobalamin associated C; plus strand), LOC129930446 (ATAC-STARR-seq lymphoblastoid active region 972; plus strand). Cytogenetic location: 1p34.1.
Variant type: single nucleotide variant.
Coding change: c.600G>A on transcript NM_015506.3 (MANE Select); coding-DNA position 600, G replaced by A.
Protein change: p.Trp200Ter; replaces tryptophan 200 with a stop codon.
Molecular consequence: nonsense.
Genome position (GRCh38, 1-based): chr1:45,508,966, G>A. VCF-style: chr1-45508966-G-A. GRCh37 (hg19) VCF-style: chr1-45974638-G-A.
Other names: c.429G>A, p.Trp143Ter (NM_001330540.2); short protein forms W200*, W143*.
Identifiers: ClinVar variation 1436751 (VCV001436751.10), dbSNP rs796051997, ClinGen allele CA312736.

ClinVar aggregate classification (germline): Pathogenic. Review status: criteria provided, multiple submitters, no conflicts (2 of 4 stars). 3 submissions from 3 submitters: Pathogenic (3). Last evaluated 2025-07-07.

Conditions:
Cobalamin C disease. Also called: Cobalamin-C methylmalonic acidemia and homocystinuria; Methylmalonic acidemia and homocystinuria cblC type; methylmalonic aciduria and homocystinuria type cblC; Methylmalonic aciduria with homocystinuria cblC type; Methylmalonic aciduria and homocystinuria, Vitamin B12-responsive; Vitamin B12 metabolic defect with combined deficiency of methylmalonyl-CoA mutase and homocysteine:methyltetrahydrofolate methyltransferase. Identifiers: Orphanet 26, Orphanet 79282, MedGen C1848561, MONDO:0010184, OMIM 277400.

Allele frequency attached by ClinVar (database versions not stated): gnomAD exomes below 0.00001; TOPMed below 0.00001.
gnomAD v4.1: 1 of 1,614,164 alleles (0.000062%); highest among the groups gnomAD compares: Non-Finnish European, 0.000085%; no homozygotes.

Submissions (3):

Natera, Inc.
Classification: Pathogenic for Methylmalonic aciduria and homocystinuria cblC type. Last evaluated: 2025-07-07. Review status: criteria provided, single submitter. Criteria: Natera Variant Classification Schema (03/2026). Collection method: clinical testing. Allele origin: germline.
Comment: The c.600G>A variant in MMACHC is a nonsense variant predicted to introduce a stop codon at amino acid 200. This variant is expected to result in nonsense mediated decay, truncation, or a dysfunctional protein product. This variant is rare in the general population with a frequency below the threshold expected for the associated phenotype(s). This variant has been observed in one or more individuals affected with the associated recessive disease, as either homozygous or compound heterozygous with a second variant (PMID: 16311595). Given the available evidence, this variant is classified as Pathogenic.

Labcorp Genetics (formerly Invitae), Labcorp
Classification: Pathogenic for Cobalamin C disease. Last evaluated: 2025-05-13. Review status: criteria provided, single submitter. Criteria: Invitae Variant Classification Sherloc (09022015). Collection method: clinical testing. Allele origin: germline.
Comment: This sequence change creates a premature translational stop signal (p.Trp200*) in the MMACHC gene. While this is not anticipated to result in nonsense mediated decay, it is expected to disrupt the last 83 amino acid(s) of the MMACHC protein. This variant is present in population databases (rs796051997, gnomAD 0.0009%). This premature translational stop signal has been observed in individual(s) with cobalamin C (cblC) deficiency (PMID: 16311595). ClinVar contains an entry for this variant (Variation ID: 1436751). This variant disrupts a region of the MMACHC protein in which other variant(s) (p.Tyr222*) have been determined to be pathogenic (PMID: 16311595, 19767224, 30157807). This suggests that this is a clinically significant region of the protein, and that variants that disrupt it are likely to be disease-causing. For these reasons, this variant has been classified as Pathogenic.

Baylor Genetics
Classification: Pathogenic for Cobalamin C disease. Last evaluated: 2023-06-03. Review status: criteria provided, single submitter. Criteria: ACMG Guidelines, 2015. Collection method: clinical testing. Allele origin: unknown.

Literature cited by the submitters: PubMed 16311595 (cited by Natera, Inc. and Labcorp Genetics (formerly Invitae), Labcorp); PubMed 19767224 (cited by Labcorp Genetics (formerly Invitae), Labcorp); PubMed 30157807 (cited by Labcorp Genetics (formerly Invitae), Labcorp).